The following is an entry in ClinVar:

NM_182641.4(BPTF):c.4180G>A (p.Glu1394Lys)

Gene: BPTF (bromodomain PHD finger transcription factor; plus strand). Cytogenetic location: 17q24.2.
Variant type: single nucleotide variant.
Coding change: c.4180G>A on transcript NM_182641.4 (MANE Select); coding-DNA position 4180, G replaced by A.
Protein change: p.Glu1394Lys; replaces glutamic acid 1394 with lysine.
Molecular consequence: missense variant.
Genome position (GRCh38, 1-based): chr17:67,912,064, G>A. VCF-style: chr17-67912064-G-A. GRCh37 (hg19) VCF-style: chr17-65908180-G-A.
Other names: c.4558G>A, p.Glu1520Lys (NM_004459.7); short protein forms E1394K, E1520K.
Identifiers: ClinVar variation 1712883 (VCV001712883.2), dbSNP rs2511478008, ClinGen allele CA400728963.

ClinVar aggregate classification (germline): Uncertain significance (1 of 4 stars; one submission).

Submission:

GeneDx
Classification: Uncertain significance. Last evaluated: 2022-04-27. Review status: criteria provided, single submitter. Criteria: GeneDx Variant Classification Process June 2021. Collection method: clinical testing. Allele origin: germline. Affected: yes.
Comment: Not observed at significant frequency in large population cohorts (gnomAD); In silico analysis supports that this missense variant does not alter protein structure/function; Has not been previously published as pathogenic or benign to our knowledge